The following is an entry in ClinVar:

ClinVar aggregate classification (germline): Uncertain significance (1 of 4 stars; one submission).

gnomAD v4.1: 11 of 1,614,120 alleles (0.00068%); highest among the groups gnomAD compares: East Asian, 0.0022%; no homozygotes.

Submission:

Labcorp Genetics (formerly Invitae), Labcorp
Classification: Uncertain significance. Last evaluated: 2025-05-14. Review status: criteria provided, single submitter. Criteria: Invitae Variant Classification Sherloc (09022015). Collection method: clinical testing. Allele origin: germline.
Comment: This sequence change replaces aspartic acid, which is acidic and polar, with glycine, which is neutral and non-polar, at codon 384 of the HGF protein (p.Asp384Gly). This variant is present in population databases (rs778372935, gnomAD 0.006%). This variant has not been reported in the literature in individuals affected with HGF-related conditions. An algorithm developed to predict the effect of missense changes on protein structure and function (PolyPhen-2) suggests that this variant is likely to be disruptive. Algorithms developed to predict the effect of sequence changes on RNA splicing suggest that this variant may create or strengthen a splice site. In summary, the available evidence is currently insufficient to determine the role of this variant in disease. Therefore, it has been classified as a Variant of Uncertain Significance.

NM_000601.6(HGF):c.1151A>G (p.Asp384Gly)

Gene: HGF (hepatocyte growth factor; minus strand). Cytogenetic location: 7q21.11.
Variant type: single nucleotide variant.
Coding change: c.1151A>G on transcript NM_000601.6 (MANE Select); coding-DNA position 1151, A replaced by G.
Protein change: p.Asp384Gly; replaces aspartic acid 384 with glycine.
Molecular consequence: missense variant.
Genome position (GRCh38, 1-based): chr7:81,725,907, T>C on the plus strand (A>G on the coding strand, the complement: HGF is on the minus strand). VCF-style: chr7-81725907-T-C. GRCh37 (hg19) VCF-style: chr7-81355223-T-C.
Other names: c.1136A>G, p.Asp379Gly (NM_001010932.3); short protein forms D379G, D384G.
Identifiers: ClinVar variation 4700471 (VCV004700471.1).